The following is an entry in ClinVar:

ClinVar aggregate classification (germline): Uncertain significance (1 of 4 stars; one submission).

Conditions:
Psoriasis 2. Identifiers: MedGen C1864497, MONDO:0011269, OMIM 602723.
Pityriasis rubra pilaris (PRP). Also called: Pityriasis rubra pilaris--familial type. Identifiers: Orphanet 2897, MedGen C0032027, MONDO:0100017, OMIM 173200, MONDO:0008251.

Submission:

Labcorp Genetics (formerly Invitae), Labcorp
Classification: Uncertain significance for Pityriasis rubra pilaris; Psoriasis 2. Last evaluated: 2023-02-26. Review status: criteria provided, single submitter. Criteria: Invitae Variant Classification Sherloc (09022015). Collection method: clinical testing. Allele origin: germline.
Comment: This sequence change replaces leucine, which is neutral and non-polar, with isoleucine, which is neutral and non-polar, at codon 949 of the CARD14 protein (p.Leu949Ile). This variant is not present in population databases (gnomAD no frequency). This variant has not been reported in the literature in individuals affected with CARD14-related conditions. Algorithms developed to predict the effect of missense changes on protein structure and function output the following: SIFT: "Not Available"; PolyPhen-2: "Benign"; Align-GVGD: "Not Available". The isoleucine amino acid residue is found in multiple mammalian species, which suggests that this missense change does not adversely affect protein function. In summary, the available evidence is currently insufficient to determine the role of this variant in disease. Therefore, it has been classified as a Variant of Uncertain Significance.

NM_001366385.1(CARD14):c.2845C>A (p.Leu949Ile)

Genes: SGSH (N-sulfoglucosamine sulfohydrolase; minus strand), CARD14 (caspase recruitment domain family member 14; plus strand). Cytogenetic location: 17q25.3.
Variant type: single nucleotide variant.
Coding change: c.2845C>A on transcript NM_001366385.1 (MANE Select); coding-DNA position 2845, C replaced by A.
Protein change: p.Leu949Ile; replaces leucine 949 with isoleucine.
Molecular consequence: missense variant. On other transcripts: non-coding transcript variant (1).
Genome position (GRCh38, 1-based): chr17:80,208,175, C>A. VCF-style: chr17-80208175-C-A. GRCh37 (hg19) VCF-style: chr17-78181974-C-A.
Other names: c.2845C>A, p.Leu949Ile (NM_024110.4); short protein forms L949I.
Identifiers: ClinVar variation 2944743 (VCV002944743.3), dbSNP rs2510817515, ClinGen allele CA401357201.
Genomic context (GRCh38, chr17:80,208,175, plus strand): 5'-CCCCCCAACTCTGGCCTGTGCAGGAAGGGCCTACAGCGGTTGGGCACCTCAGAGGAGCAG[C>A]TCCTGGAGGCTGCGAGGCAGGAGGAGGGAGACCTGGACCGGGCGCCCTGTCTATACAGCA-3'
Protein context (NP_001353314.1, residues 939-959): LQRLGTSEEQ[Leu949Ile]LEAARQEEGD